The following is an entry in ClinVar:

NM_015932.6(POMP):c.359-1434C>G

Gene: POMP (proteasome maturation protein; plus strand). Cytogenetic location: 13q12.3.
Variant type: single nucleotide variant.
Coding change: c.359-1434C>G on transcript NM_015932.6 (MANE Select); 1434 bases into the intron before coding-DNA position 359, C replaced by G.
Molecular consequence: intron variant.
Genome position (GRCh38, 1-based): chr13:28,676,601, C>G. VCF-style: chr13-28676601-C-G. GRCh37 (hg19) VCF-style: chr13-29250738-C-G.
Identifiers: ClinVar variation 4845506 (VCV004845506.1).

ClinVar aggregate classification (germline): Uncertain significance (1 of 4 stars; one submission).

gnomAD v4.1: 2 of 152,066 alleles (0.0013%); highest among the groups gnomAD compares: African/African-American, 0.0048%; no homozygotes.

Submission:

Greenwood Genetic Center Diagnostic Laboratories, Greenwood Genetic Center
Classification: Uncertain significance. Last evaluated: 2025-10-07. Review status: criteria provided, single submitter. Criteria: ACMG Guidelines, 2015. Collection method: clinical testing. Allele origin: germline. Affected: yes.
Comment: PM2, BP4